The following is an entry in ClinVar:

NM_000525.4(KCNJ11):c.952A>G (p.Ile318Val)

Gene: KCNJ11 (potassium inwardly rectifying channel subfamily J member 11; minus strand). Cytogenetic location: 11p15.1.
Variant type: single nucleotide variant.
Coding change: c.952A>G on transcript NM_000525.4 (MANE Select); coding-DNA position 952, A replaced by G.
Protein change: p.Ile318Val; replaces isoleucine 318 with valine.
Molecular consequence: missense variant.
Genome position (GRCh38, 1-based): chr11:17,387,140, T>C on the plus strand (A>G on the coding strand, the complement: KCNJ11 is on the minus strand). VCF-style: chr11-17387140-T-C. GRCh37 (hg19) VCF-style: chr11-17408687-T-C.
Other names: c.691A>G, p.Ile231Val (NM_001166290.2, NM_001377296.1, NM_001377297.1); short protein forms I231V, I318V.
Identifiers: ClinVar variation 2916729 (VCV002916729.3), dbSNP rs369179692, ClinGen allele CA5902213.

ClinVar aggregate classification (germline): Uncertain significance (1 of 4 stars; one submission).

Allele frequency attached by ClinVar (database versions not stated): gnomAD exomes 0.00001; ExAC 0.00002; gnomAD 0.00005; TOPMed 0.00005; ESP Exome Variant Server 0.00008.
gnomAD v4.1: 17 of 1,614,064 alleles (0.0011%); highest among the groups gnomAD compares: African/African-American, 0.015%; no homozygotes.

Submission:

Labcorp Genetics (formerly Invitae), Labcorp
Classification: Uncertain significance. Last evaluated: 2025-02-03. Review status: criteria provided, single submitter. Criteria: Invitae Variant Classification Sherloc (09022015). Collection method: clinical testing. Allele origin: germline.
Comment: This sequence change replaces isoleucine, which is neutral and non-polar, with valine, which is neutral and non-polar, at codon 318 of the KCNJ11 protein (p.Ile318Val). This variant is present in population databases (rs369179692, gnomAD 0.01%). This missense change has been observed in individual(s) with diabetes mellitus (PMID: 31291970, 32027066). ClinVar contains an entry for this variant (Variation ID: 2916729). An algorithm developed to predict the effect of missense changes on protein structure and function outputs the following: PolyPhen-2: "Benign". The valine amino acid residue is found in multiple mammalian species, which suggests that this missense change does not adversely affect protein function. In summary, the available evidence is currently insufficient to determine the role of this variant in disease. Therefore, it has been classified as a Variant of Uncertain Significance.

Literature cited by the submitters: PubMed 31291970; PubMed 32027066.